The following is an entry in ClinVar:

ClinVar aggregate classification (germline): Uncertain significance (1 of 4 stars; one submission).

Conditions:
Sulfite oxidase deficiency. Also called: Isolated sulfite oxidase deficiency. Identifiers: Orphanet 833, Orphanet 99731, MedGen C0268624, MONDO:0010089, OMIM 272300, HP:0003643.

Allele frequency attached by ClinVar (database versions not stated): TOPMed below 0.00001; ExAC 0.00001.

Submission:

Labcorp Genetics (formerly Invitae), Labcorp
Classification: Uncertain significance for Sulfite oxidase deficiency. Last evaluated: 2022-07-12. Review status: criteria provided, single submitter. Criteria: Invitae Variant Classification Sherloc (09022015). Collection method: clinical testing. Allele origin: germline.
Comment: In summary, the available evidence is currently insufficient to determine the role of this variant in disease. Therefore, it has been classified as a Variant of Uncertain Significance. Algorithms developed to predict the effect of missense changes on protein structure and function are either unavailable or do not agree on the potential impact of this missense change (SIFT: "Deleterious"; PolyPhen-2: "Benign"; Align-GVGD: "Class C55"). This variant has not been reported in the literature in individuals affected with SUOX-related conditions. This variant is present in population databases (rs774029608, gnomAD 0.0009%). This sequence change replaces tyrosine, which is neutral and polar, with aspartic acid, which is acidic and polar, at codon 207 of the SUOX protein (p.Tyr207Asp).

NM_001032386.2(SUOX):c.619T>G (p.Tyr207Asp)

Gene: SUOX (sulfite oxidase; plus strand). Cytogenetic location: 12q13.2.
Variant type: single nucleotide variant.
Coding change: c.619T>G on transcript NM_001032386.2 (MANE Select); coding-DNA position 619, T replaced by G.
Protein change: p.Tyr207Asp; replaces tyrosine 207 with aspartic acid.
Molecular consequence: missense variant.
Genome position (GRCh38, 1-based): chr12:56,004,008, T>G. VCF-style: chr12-56004008-T-G. GRCh37 (hg19) VCF-style: chr12-56397792-T-G.
Other names: c.619T>G, p.Tyr207Asp (NM_000456.3, NM_001032387.2); short protein forms Y207D.
Identifiers: ClinVar variation 2091415 (VCV002091415.4), dbSNP rs774029608, ClinGen allele CA6621013.